The following is an entry in ClinVar:

NM_001429.4(EP300):c.1989C>T (p.Gly663=)

Gene: EP300 (EP300 lysine acetyltransferase; plus strand). Cytogenetic location: 22q13.2.
Variant type: single nucleotide variant.
Coding change: c.1989C>T on transcript NM_001429.4 (MANE Select); coding-DNA position 1989, C replaced by T.
Protein change: p.Gly663=; no amino-acid change (glycine 663 retained).
Molecular consequence: synonymous variant.
Genome position (GRCh38, 1-based): chr22:41,141,158, C>T. VCF-style: chr22-41141158-C-T. GRCh37 (hg19) VCF-style: chr22-41537162-C-T.
Other names: c.1989C>T, p.Gly663= (NM_001362843.2).
Identifiers: ClinVar variation 578687 (VCV000578687.11), dbSNP rs1291428868, ClinGen allele CA514639016.
Genomic context (GRCh38, chr22:41,141,158, plus strand): 5'-ACTAGAAGAAAAACGAAGGACCAGACTACAGAAGCAGAACATGCTACCAAATGCTGCAGG[C>T]ATGGTTCCAGTTTCCATGAATCCAGGGCCTAACATGGGACAGCCGCAACCAGGAATGACT-3'
Protein context (NP_001420.2, residues 653-673): QKQNMLPNAA[Gly663=]MVPVSMNPGP

ClinVar aggregate classification (germline): Uncertain significance (1 of 4 stars; one submission).

Conditions:
Rubinstein-Taybi syndrome due to EP300 haploinsufficiency. Also called: RUBINSTEIN-TAYBI SYNDROME 2; EP300-Related Rubinstein-Taybi Syndrome. Identifiers: Orphanet 353284, Orphanet 783, MedGen C3150941, MONDO:0013364, OMIM 613684.

Allele frequency attached by ClinVar (database versions not stated): gnomAD exomes below 0.00001.
gnomAD v4.1: 1 of 1,614,184 alleles (0.000062%); highest among the groups gnomAD compares: Non-Finnish European, 0.000085%; no homozygotes.

Submission:

Labcorp Genetics (formerly Invitae), Labcorp
Classification: Uncertain significance for Rubinstein-Taybi syndrome due to EP300 haploinsufficiency. Last evaluated: 2018-01-07. Review status: criteria provided, single submitter. Criteria: Invitae Variant Classification Sherloc (09022015). Collection method: clinical testing. Allele origin: germline.
Comment: In summary, the available evidence is currently insufficient to determine the role of this variant in disease. Therefore, it has been classified as a Variant of Uncertain Significance. Algorithms developed to predict the effect of sequence changes on RNA splicing suggest that this variant may create or strengthen a splice site, but this prediction has not been confirmed by published transcriptional studies. This variant has not been reported in the literature in individuals with EP300-related disease. This variant is not present in population databases (ExAC no frequency). This sequence change affects codon 663 of the EP300 mRNA. It is a 'silent' change, meaning that it does not change the encoded amino acid sequence of the EP300 protein.